The following is an entry in ClinVar:

NM_000057.4(BLM):c.1802C>G (p.Ser601Cys)

Gene: BLM (BLM RecQ like helicase; plus strand). Cytogenetic location: 15q26.1.
Variant type: single nucleotide variant.
Coding change: c.1802C>G on transcript NM_000057.4 (MANE Select); coding-DNA position 1802, C replaced by G.
Protein change: p.Ser601Cys; replaces serine 601 with cysteine.
Molecular consequence: missense variant.
Genome position (GRCh38, 1-based): chr15:90,761,175, C>G. VCF-style: chr15-90761175-C-G. GRCh37 (hg19) VCF-style: chr15-91304405-C-G.
Other names: c.1802C>G (NM_000057.2); c.1802C>G, p.Ser601Cys (NM_001287246.2, NM_001287247.2); c.677C>G, p.Ser226Cys (NM_001287248.2); short protein forms S226C, S601C.
Identifiers: ClinVar variation 1481443 (VCV001481443.9), dbSNP rs751951251, ClinGen allele CA274738459.

ClinVar aggregate classification (germline): Uncertain significance. Review status: criteria provided, multiple submitters, no conflicts (2 of 4 stars). 2 submissions from 2 submitters: Uncertain significance (2). Last evaluated 2023-12-02.

Conditions:
Hereditary cancer-predisposing syndrome. Also called: Tumor predisposition; Hereditary Cancer Syndrome; Hereditary neoplastic syndrome; Neoplastic Syndromes, Hereditary. Identifiers: Orphanet 140162, MedGen C0027672, MeSH D009386, MONDO:0015356.
Bloom syndrome (BLM). Also called: Bloom-Torre-Machacek syndrome. Identifiers: Orphanet 125, MedGen C0005859, MONDO:0008876, OMIM 210900.

Submissions (2):

Ambry Genetics
Classification: Uncertain significance for Hereditary cancer-predisposing syndrome. Last evaluated: 2023-12-02. Review status: criteria provided, single submitter. Criteria: Ambry Variant Classification Scheme 2023. Collection method: clinical testing. Allele origin: germline.
Comment: The p.S601C variant (also known as c.1802C>G), located in coding exon 6 of the BLM gene, results from a C to G substitution at nucleotide position 1802. The serine at codon 601 is replaced by cysteine, an amino acid with dissimilar properties. This amino acid position is conserved. In addition, this alteration is predicted to be tolerated by in silico analysis. Since supporting evidence is limited at this time, the clinical significance of this alteration remains unclear.

Labcorp Genetics (formerly Invitae), Labcorp
Classification: Uncertain significance for Bloom syndrome. Last evaluated: 2021-04-10. Review status: criteria provided, single submitter. Criteria: Invitae Variant Classification Sherloc (09022015). Collection method: clinical testing. Allele origin: germline.
Comment: Algorithms developed to predict the effect of missense changes on protein structure and function are either unavailable or do not agree on the potential impact of this missense change (SIFT: "Tolerated"; PolyPhen-2: "Possibly Damaging"; Align-GVGD: "Class C0"). In summary, the available evidence is currently insufficient to determine the role of this variant in disease. Therefore, it has been classified as a Variant of Uncertain Significance. This sequence change replaces serine with cysteine at codon 601 of the BLM protein (p.Ser601Cys). The serine residue is weakly conserved and there is a moderate physicochemical difference between serine and cysteine. This variant is not present in population databases (ExAC no frequency). This variant has not been reported in the literature in individuals with BLM-related conditions.